The following is an entry in ClinVar:

NM_182961.4(SYNE1):c.17229T>G (p.Tyr5743Ter)

Gene: SYNE1 (spectrin repeat containing nuclear envelope protein 1; minus strand). Cytogenetic location: 6q25.2.
Variant type: single nucleotide variant.
Coding change: c.17229T>G on transcript NM_182961.4 (MANE Select); coding-DNA position 17229, T replaced by G.
Protein change: p.Tyr5743Ter; replaces tyrosine 5743 with a stop codon.
Molecular consequence: nonsense.
Genome position (GRCh38, 1-based): chr6:152,308,606, A>C on the plus strand (T>G on the coding strand, the complement: SYNE1 is on the minus strand). VCF-style: chr6-152308606-A-C. GRCh37 (hg19) VCF-style: chr6-152629741-A-C.
Other names: c.17016T>G, p.Tyr5672Ter (NM_033071.5); short protein forms Y5672*, Y5743*.
Identifiers: ClinVar variation 523789 (VCV000523789.2), dbSNP rs377344899, ClinGen allele CA366105771.

ClinVar aggregate classification (germline): Pathogenic (1 of 4 stars; one submission).

gnomAD v4.1: 7 of 1,612,038 alleles (0.00043%); highest among the groups gnomAD compares: Non-Finnish European, 0.00059%; no homozygotes.

Submission:

GeneDx
Classification: Pathogenic. Last evaluated: 2018-04-24. Review status: criteria provided, single submitter. Criteria: GeneDx Variant Classification (06012015). Collection method: clinical testing. Allele origin: germline. Affected: yes.
Comment: The Y5672X variant in the SYNE1 gene has been reported previously in the heterozygous state in an individual withataxia and polyneuropathy (Fogel et al., 2014). This variant is predicted to cause loss of normal protein functioneither through protein truncation or nonsense-mediated mRNA decay. Furthermore, the Y5672X variant is notobserved in large population cohorts (Lek et al., 2016). We interpret Y5672X as a pathogenic variant.